The following is an entry in ClinVar:

NM_025081.3(NYNRIN):c.4427C>T (p.Pro1476Leu)

Gene: NYNRIN (NYN domain and retroviral integrase containing; plus strand). Cytogenetic location: 14q12.
Variant type: single nucleotide variant.
Coding change: c.4427C>T on transcript NM_025081.3 (MANE Select); coding-DNA position 4427, C replaced by T.
Protein change: p.Pro1476Leu; replaces proline 1476 with leucine.
Molecular consequence: missense variant.
Genome position (GRCh38, 1-based): chr14:24,416,176, C>T. VCF-style: chr14-24416176-C-T. GRCh37 (hg19) VCF-style: chr14-24885382-C-T.
Other names: short protein forms P1476L.
Identifiers: ClinVar variation 2245640 (VCV002245640.8), dbSNP rs199709655, ClinGen allele CA7137414.

ClinVar aggregate classification (germline): Conflicting classifications of pathogenicity. Review status: criteria provided, conflicting classifications (1 of 4 stars). 4 submissions from 4 submitters: Uncertain significance (2); Likely benign (2). Last evaluated 2026-01-04.

Conditions:
Predisposition to Wilms tumor.
NYNRIN-related disorder. Also called: NYNRIN-related condition.

Allele frequency attached by ClinVar (database versions not stated): gnomAD 0.00031; gnomAD exomes 0.00032; ExAC 0.00038; TOPMed 0.00041; ESP Exome Variant Server 0.00048.
gnomAD v4.1: 560 of 1,613,952 alleles (0.035%); highest among the groups gnomAD compares: Middle Eastern, 0.46%; no homozygotes.

Submissions (4):

Labcorp Genetics (formerly Invitae), Labcorp
Classification: Likely benign. Last evaluated: 2026-01-04. Review status: criteria provided, single submitter. Criteria: Invitae Variant Classification Sherloc (09022015). Collection method: clinical testing. Allele origin: germline.

PreventionGenetics, part of Exact Sciences
Classification: Likely benign for NYNRIN-related condition. Last evaluated: 2025-07-24. Review status: criteria provided, single submitter. Criteria: ACMG Guidelines, 2015. Collection method: clinical testing. Allele origin: germline.
Comment: This variant is classified as likely benign based on ACMG/AMP sequence variant interpretation guidelines (Richards et al. 2015 PMID: 25741868, with internal and published modifications).

St. Jude Molecular Pathology, St. Jude Children's Research Hospital
Classification: Uncertain significance for Predisposition to Wilms tumor. Last evaluated: 2025-06-17. Review status: criteria provided, single submitter. Criteria: St. Jude Assertion Criteria 2020. Collection method: clinical testing. Allele origin: germline.
Comment: The NYNRIN c.4427C>T p.(Pro1476Leu) missense change has a maximum non-founder subpopulation frequency of 0.1% in gnomAD v2.1.1. The in silico tool REVEL predicts a benign effect on protein function, but to our knowledge this prediction has not been confirmed by functional studies. To our knowledge, this variant has not been reported in individuals with Wilms tumor. In summary, the evidence currently available is insufficient to determine the clinical significance of this variant. It has therefore been classified as of uncertain significance.

Ambry Genetics
Classification: Uncertain significance. Last evaluated: 2021-09-01. Review status: criteria provided, single submitter. Criteria: Ambry Variant Classification Scheme 2023. Collection method: clinical testing. Allele origin: germline.